The following is an entry in ClinVar:

ClinVar aggregate classification (germline): Uncertain significance (1 of 4 stars; one submission).

Allele frequency attached by ClinVar (database versions not stated): gnomAD 0.00001; gnomAD exomes 0.00001; TOPMed 0.00001; ExAC 0.00005.
gnomAD v4.1: 17 of 1,550,040 alleles (0.0011%); highest among the groups gnomAD compares: East Asian, 0.0073%; no homozygotes.

Submission:

Labcorp Genetics (formerly Invitae), Labcorp
Classification: Uncertain significance. Last evaluated: 2022-07-19. Review status: criteria provided, single submitter. Criteria: Invitae Variant Classification Sherloc (09022015). Collection method: clinical testing. Allele origin: germline.
Comment: This sequence change falls in intron 20 of the COL18A1 gene. It does not directly change the encoded amino acid sequence of the COL18A1 protein. It affects a nucleotide within the consensus splice site. The frequency data for this variant in the population databases is considered unreliable, as metrics indicate poor data quality at this position in the gnomAD database. This variant has not been reported in the literature in individuals affected with COL18A1-related conditions. ClinVar contains an entry for this variant (Variation ID: 1470369). Variants that disrupt the consensus splice site are a relatively common cause of aberrant splicing (PMID: 17576681, 9536098). Experimental studies and prediction algorithms are not available or were not evaluated, and the effect of this variant on mRNA splicing is currently unknown. In summary, the available evidence is currently insufficient to determine the role of this variant in disease. Therefore, it has been classified as a Variant of Uncertain Significance.

Literature cited by the submitters: PubMed 17576681; PubMed 9536098.

NM_001379500.1(COL18A1):c.2032-3C>T

Gene: COL18A1 (collagen type XVIII alpha 1 chain; plus strand). Cytogenetic location: 21q22.3.
Variant type: single nucleotide variant.
Coding change: c.2032-3C>T on transcript NM_001379500.1 (MANE Select); 3 bases into the intron before coding-DNA position 2032, C replaced by T.
Molecular consequence: intron variant.
Genome position (GRCh38, 1-based): chr21:45,490,833, C>T. VCF-style: chr21-45490833-C-T. GRCh37 (hg19) VCF-style: chr21-46910747-C-T.
Other names: c.3277-3C>T (NM_130444.3); c.2572-3C>T (NM_030582.4).
Identifiers: ClinVar variation 1470369 (VCV001470369.3), dbSNP rs781306936, ClinGen allele CA10066762.
Genomic context (GRCh38, chr21:45,490,833, plus strand): 5'-TCACGGGGGGCCAGGGGCTCCTGTTTCTGTTGGTGATGAACCATTTCCTTCCTGTCTCTC[C>T]AGGGGCCAAAGGGAGACAGAGGCAGCCGGGGAGAAAAGGTGAGTGTCCCTGGGGCGGGTG-3'